The following is an entry in ClinVar:

NM_002332.3(LRP1):c.3546C>T (p.Cys1182=)

Gene: LRP1 (LDL receptor related protein 1; plus strand). Cytogenetic location: 12q13.3.
Variant type: single nucleotide variant.
Coding change: c.3546C>T on transcript NM_002332.3 (MANE Select); coding-DNA position 3546, C replaced by T.
Protein change: p.Cys1182=; no amino-acid change (cysteine 1182 retained).
Molecular consequence: synonymous variant.
Genome position (GRCh38, 1-based): chr12:57,173,979, C>T. VCF-style: chr12-57173979-C-T. GRCh37 (hg19) VCF-style: chr12-57567762-C-T.
Identifiers: ClinVar variation 1226322 (VCV001226322.6), dbSNP rs1800194, ClinGen allele CA6643071.

ClinVar aggregate classification (germline): Benign. Review status: criteria provided, multiple submitters, no conflicts (2 of 4 stars). 3 submissions from 3 submitters: Benign (3). Last evaluated 2021-08-19.

Conditions:
Keratosis pilaris. Also called: Hyperkeratosis pilaris. Identifiers: Orphanet 3406, MedGen C0263383, MONDO:0021036, HP:0032152.

Allele frequency attached by ClinVar (database versions not stated): gnomAD exomes 0.32048 and 0.35496; ExAC 0.35464; ESP Exome Variant Server 0.36714; gnomAD 0.37533 and 0.38187; 1000 Genomes Project 0.38958; TOPMed 0.39137; 1000 Genomes Project 30x 0.39194.
gnomAD v4.1: 525,593 of 1,613,108 alleles (33%); highest among the groups gnomAD compares: African/African-American, 49%; 89,197 homozygotes.

Submissions (3):

Genome-Nilou Lab
Classification: Benign for Keratosis pilaris atrophicans. Last evaluated: 2021-08-19. Review status: criteria provided, single submitter. Criteria: ACMG Guidelines, 2015. Collection method: clinical testing. Allele origin: germline. Affected: no.

GeneDx
Classification: Benign. Last evaluated: 2018-11-12. Review status: criteria provided, single submitter. Criteria: GeneDx Variant Classification Process June 2021. Collection method: clinical testing. Allele origin: germline. Affected: yes.
Comment: This variant is associated with the following publications: (PMID: 12732394)

Breakthrough Genomics
Classification: Benign. Review status: criteria provided, single submitter. Criteria: ACMG Guidelines, 2015. Collection method: not provided. Allele origin: germline. Inheritance: Autosomal recessive inheritance. Affected: yes.